The following is an entry in ClinVar:

ClinVar aggregate classification (germline): Pathogenic. Review status: criteria provided, multiple submitters, no conflicts (2 of 4 stars). 2 submissions from 2 submitters: Pathogenic (2). Last evaluated 2024-01-25.

Conditions:
Hereditary cancer-predisposing syndrome. Also called: Neoplastic Syndromes, Hereditary; Tumor predisposition; Hereditary Cancer Syndrome; Hereditary neoplastic syndrome. Identifiers: Orphanet 140162, MedGen C0027672, MeSH D009386, MONDO:0015356.
Familial cancer of breast. Also called: Hereditary breast cancer; BREAST CANCER, FAMILIAL; hereditary breast carcinoma. Identifiers: Orphanet 227535, MedGen C0346153, MONDO:0016419, OMIM 114480. Disease mechanism: loss of function.

Submissions (2):

Myriad Genetics, Inc.
Classification: Pathogenic for Familial cancer of breast. Last evaluated: 2024-01-25. Review status: criteria provided, single submitter. Criteria: Myriad Autosomal Dominant, Autosomal Recessive and X-Linked Classification Criteria (2023). Collection method: clinical testing. Allele origin: unknown.
Comment: This variant is considered pathogenic. This variant creates a termination codon and is predicted to result in premature protein truncation.

Color Diagnostics, LLC DBA Color Health
Classification: Pathogenic for Hereditary cancer-predisposing syndrome. Last evaluated: 2023-07-20. Review status: criteria provided, single submitter. Criteria: ACMG Guidelines, 2015. Collection method: clinical testing. Allele origin: germline.
Comment: This variant changes 1 nucleotide in exon 36 of the ATM gene, creating a premature translation stop signal. This variant is expected to result in an absent or non-functional protein product. This variant has been observed in individuals affected with breast cancer (PMID: 33919281) and autosomal recessive telangiectasia (A-T; PMID: 17910737), indicating that this variant contributes to disease. This variant has not been identified in the general population by the Genome Aggregation Database (gnomAD). Loss of ATM function is a known mechanism of disease. Based on the available evidence, this variant is classified as Pathogenic.

Literature cited by the submitters: PubMed 33919281 (cited by Color Diagnostics, LLC DBA Color Health).

NM_000051.4(ATM):c.5441T>A (p.Leu1814Ter)

Gene: ATM (ATM serine/threonine kinase; plus strand). Cytogenetic location: 11q22.3.
Variant type: single nucleotide variant.
Coding change: c.5441T>A on transcript NM_000051.4 (MANE Select); coding-DNA position 5441, T replaced by A.
Protein change: p.Leu1814Ter; replaces leucine 1814 with a stop codon.
Molecular consequence: nonsense.
Genome position (GRCh38, 1-based): chr11:108,302,974, T>A. VCF-style: chr11-108302974-T-A. GRCh37 (hg19) VCF-style: chr11-108173701-T-A.
Other names: c.5441T>A, p.Leu1814Ter (NM_001351834.2); short protein forms L1814*.
Identifiers: ClinVar variation 2774684 (VCV002774684.3), dbSNP rs2083505270, ClinGen allele CA382544137.